The following is an entry in ClinVar:

ClinVar aggregate classification (germline): Uncertain significance (1 of 4 stars; one submission).

Conditions:
Atrioventricular septal defect 4 (AVSD4). Identifiers: MedGen C3280781, MONDO:0013747, OMIM 614430.

Allele frequency attached by ClinVar (database versions not stated): TOPMed 0.00002.
gnomAD v4.1: 2 of 1,614,122 alleles (0.00012%); highest among the groups gnomAD compares: African/African-American, 0.0027%; no homozygotes.

Submission:

Labcorp Genetics (formerly Invitae), Labcorp
Classification: Uncertain significance for Atrioventricular septal defect 4. Last evaluated: 2023-05-01. Review status: criteria provided, single submitter. Criteria: Invitae Variant Classification Sherloc (09022015). Collection method: clinical testing. Allele origin: germline.
Comment: In summary, the available evidence is currently insufficient to determine the role of this variant in disease. Therefore, it has been classified as a Variant of Uncertain Significance. Advanced modeling of protein sequence and biophysical properties (such as structural, functional, and spatial information, amino acid conservation, physicochemical variation, residue mobility, and thermodynamic stability) performed at Invitae indicates that this missense variant is not expected to disrupt GATA4 protein function. This variant has not been reported in the literature in individuals affected with GATA4-related conditions. This variant is not present in population databases (gnomAD no frequency). This sequence change replaces valine, which is neutral and non-polar, with leucine, which is neutral and non-polar, at codon 399 of the GATA4 protein (p.Val399Leu).

NM_001308093.3(GATA4):c.1198G>C (p.Val400Leu)

Gene: GATA4 (GATA binding protein 4). Cytogenetic location: 8p23.1.
Variant type: single nucleotide variant.
Coding change: c.1198G>C on transcript NM_001308093.3 (MANE Select); coding-DNA position 1198, G replaced by C.
Protein change: p.Val400Leu; replaces valine 400 with leucine.
Molecular consequence: missense variant.
Genome position (GRCh38, 1-based): chr8:11,758,341, G>C. VCF-style: chr8-11758341-G-C. GRCh37 (hg19) VCF-style: chr8-11615850-G-C.
Other names: c.451G>C, p.Val151Leu (NM_001374274.1); c.1195G>C, p.Val399Leu (NM_002052.5); c.577G>C, p.Val193Leu (NM_001374273.1, NM_001308094.2); short protein forms V151L, V193L, V399L, V400L.
Identifiers: ClinVar variation 3014238 (VCV003014238.3), dbSNP rs955705458, ClinGen allele CA172121423.